The following is an entry in ClinVar:

NM_002878.4(RAD51D):c.277_280del (p.Leu93fs)

Genes: RAD51D (RAD51 paralog D; minus strand), RAD51L3-RFFL (RAD51L3-RFFL readthrough; minus strand). Cytogenetic location: 17q12.
Variant type: Deletion.
Coding change: c.277_280del on transcript NM_002878.4 (MANE Select); coding-DNA positions 277 to 280, 4 bases deleted (CTTG; older notation c.277_280delCTTG).
Protein change: p.Leu93fs; shifts the reading frame from leucine 93.
Molecular consequence: frameshift variant. On other transcripts: non-coding transcript variant (2), intron variant (1).
Genome position (GRCh38, 1-based): chr17:35,107,431-35,107,434, CAAG deleted on the plus strand (CTTG on the coding strand, the reverse complement: RAD51D is on the minus strand); deleting any 4 consecutive bases within chr17:35,107,431-35,107,436 gives the same sequence; the c. name uses the placement nearest the transcript's 3' end. VCF-style (leftmost placement, unchanged base first): chr17-35107430-TCAAG-T. GRCh37 (hg19) VCF-style: chr17-33434449-TCAAG-T.
Other names: c.337_340del, p.Leu113fs (NM_001142571.2); c.145-953_145-950del (NM_133629.3); c.277_280delCTTG (NM_002878.3); short protein forms L113fs, L93fs.
Identifiers: ClinVar variation 1795803 (VCV001795803.5), dbSNP rs2509143271, ClinGen allele CA2580093237.
Genomic context (GRCh38, chr17:35,107,430, plus strand): 5'-GTTTTGCCGCTACCTGGGCCTCCTACAATTTCAGTCACTTCTCCAGTATAGAGACCAGCA[TCAAG>T]CAGTTTATCAAGACTGATGGCAGAAGAGAAGAAAATCAACACAAGAGGTTAGGAGGAAGA-3'

ClinVar aggregate classification (germline): Pathogenic. Review status: criteria provided, multiple submitters, no conflicts (2 of 4 stars). 3 submissions from 3 submitters: Pathogenic (3). Last evaluated 2024-01-04.

Conditions:
Hereditary cancer-predisposing syndrome. Also called: Tumor predisposition; Hereditary Cancer Syndrome; Neoplastic Syndromes, Hereditary; Hereditary neoplastic syndrome. Identifiers: Orphanet 140162, MedGen C0027672, MeSH D009386, MONDO:0015356.
Breast-ovarian cancer, familial, susceptibility to, 4. Identifiers: Orphanet 145, MedGen C3280345, MONDO:0013669, OMIM 614291.

Submissions (3):

Myriad Genetics, Inc.
Classification: Pathogenic for Breast-ovarian cancer, familial, susceptibility to, 4. Last evaluated: 2024-01-04. Review status: criteria provided, single submitter. Criteria: Myriad Autosomal Dominant, Autosomal Recessive and X-Linked Classification Criteria (2023). Collection method: clinical testing. Allele origin: unknown.
Comment: This variant is considered pathogenic. This variant creates a frameshift predicted to result in premature protein truncation.

Labcorp Genetics (formerly Invitae), Labcorp
Classification: Pathogenic for Breast-ovarian cancer, familial, susceptibility to, 4. Last evaluated: 2023-12-12. Review status: criteria provided, single submitter. Criteria: Invitae Variant Classification Sherloc (09022015). Collection method: clinical testing. Allele origin: germline.
Comment: This sequence change creates a premature translational stop signal (p.Leu93Metfs*9) in the RAD51D gene. It is expected to result in an absent or disrupted protein product. Loss-of-function variants in RAD51D are known to be pathogenic (PMID: 21822267). This variant is not present in population databases (gnomAD no frequency). This variant has not been reported in the literature in individuals affected with RAD51D-related conditions. ClinVar contains an entry for this variant (Variation ID: 1795803). Algorithms developed to predict the effect of sequence changes on RNA splicing suggest that this variant may disrupt the consensus splice site. For these reasons, this variant has been classified as Pathogenic.

Ambry Genetics
Classification: Pathogenic for Hereditary cancer-predisposing syndrome. Last evaluated: 2022-07-26. Review status: criteria provided, single submitter. Criteria: Ambry Variant Classification Scheme 2023. Collection method: clinical testing. Allele origin: germline.
Comment: The c.277_280delCTTG pathogenic mutation, located in coding exon 4 of the RAD51D gene, results from a deletion of 4 nucleotides at nucleotide positions 277 to 280, causing a translational frameshift with a predicted alternate stop codon (p.L93Mfs*9). This variant is considered to be rare based on population cohorts in the Genome Aggregation Database (gnomAD). This alteration is expected to result in loss of function by premature protein truncation or nonsense-mediated mRNA decay. As such, this alteration is interpreted as a disease-causing mutation.

Literature cited by the submitters: PubMed 21822267 (cited by Labcorp Genetics (formerly Invitae), Labcorp).